The following is an entry in ClinVar:

NM_005228.5(EGFR):c.1111A>G (p.Ile371Val)

Genes: EGFR (epidermal growth factor receptor; plus strand), LOC126860048 (P300/CBP strongly-dependent group 1 enhancer GRCh37_chr7:55223847-55225046; plus strand). Cytogenetic location: 7p11.2.
Variant type: single nucleotide variant.
Coding change: c.1111A>G on transcript NM_005228.5 (MANE Select); coding-DNA position 1111, A replaced by G.
Protein change: p.Ile371Val; replaces isoleucine 371 with valine.
Molecular consequence: missense variant.
Genome position (GRCh38, 1-based): chr7:55,156,637, A>G. VCF-style: chr7-55156637-A-G. GRCh37 (hg19) VCF-style: chr7-55224330-A-G.
Other names: c.976A>G, p.Ile326Val (NM_001346897.2, NM_001346899.2); c.1111A>G, p.Ile371Val (NM_001346898.2, NM_201282.2, NM_201283.2 and 1 more transcripts); c.952A>G, p.Ile318Val (NM_001346900.2); c.310A>G, p.Ile104Val (NM_001346941.2); short protein forms I104V, I326V, I318V, I371V.
Identifiers: ClinVar variation 1044670 (VCV001044670.10), dbSNP rs1405999227, ClinGen allele CA367578422.
Genomic context (GRCh38, chr7:55,156,637, plus strand): 5'-ATAAATGCTACGAATATTAAACACTTCAAAAACTGCACCTCCATCAGTGGCGATCTCCAC[A>G]TCCTGCCGGTGGCATTTAGGGGGTGAGTCACAGGTTCAGTTGCTTGTATAAAGAAAAACA-3'
Protein context (NP_005219.2, residues 361-381): NCTSISGDLH[Ile371Val]LPVAFRGDSF

ClinVar aggregate classification (germline): Uncertain significance (1 of 4 stars; one submission).

Conditions:
EGFR-related lung cancer (EGFR). Identifiers: MedGen CN130014.

Allele frequency attached by ClinVar (database versions not stated): gnomAD exomes below 0.00001.
gnomAD v4.1: 2 of 1,614,266 alleles (0.00012%); highest among the groups gnomAD compares: Admixed American, 0.0017%; no homozygotes.

Submission:

Labcorp Genetics (formerly Invitae), Labcorp
Classification: Uncertain significance for EGFR-related lung cancer. Last evaluated: 2023-04-19. Review status: criteria provided, single submitter. Criteria: Invitae Variant Classification Sherloc (09022015). Collection method: clinical testing. Allele origin: germline.
Comment: In summary, the available evidence is currently insufficient to determine the role of this variant in disease. Therefore, it has been classified as a Variant of Uncertain Significance. Advanced modeling of protein sequence and biophysical properties (such as structural, functional, and spatial information, amino acid conservation, physicochemical variation, residue mobility, and thermodynamic stability) has been performed at Invitae for this missense variant, however the output from this modeling did not meet the statistical confidence thresholds required to predict the impact of this variant on EGFR protein function. ClinVar contains an entry for this variant (Variation ID: 1044670). This variant has not been reported in the literature in individuals affected with EGFR-related conditions. This variant is present in population databases (no rsID available, gnomAD 0.003%). This sequence change replaces isoleucine, which is neutral and non-polar, with valine, which is neutral and non-polar, at codon 371 of the EGFR protein (p.Ile371Val).